The following is an entry in ClinVar:

ClinVar aggregate classification (germline): Likely benign. Review status: reviewed by expert panel (3 of 4 stars). 12 submissions from 12 submitters: Likely benign (1). 11 of the submissions do not count toward it. Last evaluated 2017-06-29.

Conditions:
Hereditary cancer-predisposing syndrome. Also called: Tumor predisposition; Neoplastic Syndromes, Hereditary; Hereditary Cancer Syndrome; Hereditary neoplastic syndrome. Identifiers: Orphanet 140162, MedGen C0027672, MeSH D009386, MONDO:0015356.
Hereditary breast ovarian cancer syndrome. Also called: Hereditary breast and ovarian cancer; Hereditary breast and ovarian cancer syndrome (HBOC); Breast and ovarian cancer; Hereditary breast and/or ovarian cancer syndrome; BRCA1- and BRCA2-Associated Hereditary Breast and Ovarian Cancer; Hereditary breast and ovarian cancer syndrome. Identifiers: Orphanet 145, MedGen C0677776, MeSH D061325, MONDO:0003582. Disease mechanism: loss of function.
Breast-ovarian cancer, familial, susceptibility to, 2 (BROVCA2). Also called: BRCA2 Hereditary Breast and Ovarian Cancer. Identifiers: Orphanet 145, MedGen C2675520, MONDO:0012933, OMIM 612555. Disease mechanism: loss of function.
Familial cancer of breast. Also called: hereditary breast carcinoma; BREAST CANCER, FAMILIAL; Hereditary breast cancer. Identifiers: Orphanet 227535, MedGen C0346153, MONDO:0016419, OMIM 114480. Disease mechanism: loss of function.
Malignant tumor of breast. Also called: Malignant breast neoplasm; Cancer breast. Identifiers: MedGen C0006142, MONDO:0007254. Disease mechanism: loss of function.

Allele frequency attached by ClinVar (database versions not stated): gnomAD exomes below 0.00001 and 0.00002; ExAC 0.00002; gnomAD 0.00007; TOPMed 0.00008.
gnomAD v4.1: 17 of 1,614,032 alleles (0.0011%); highest among the groups gnomAD compares: African/African-American, 0.02%; no homozygotes.

Submissions (12):

Evidence-based Network for the Interpretation of Germline Mutant Alleles (ENIGMA)
Classification: Likely benign for Breast-ovarian cancer, familial, susceptibility to, 2. Last evaluated: 2017-06-29. Review status: reviewed by expert panel. Criteria: ENIGMA BRCA1/2 Classification Criteria (2017-06-29). Collection method: curation. Allele origin: germline.
Comment: Synonymous substitution variant, with low bioinformatic likelihood to result in a splicing aberration (Splicing prior probability 0.02).

Labcorp Genetics (formerly Invitae), Labcorp
Classification: Likely benign for Hereditary breast ovarian cancer syndrome. Last evaluated: 2026-01-21. Review status: criteria provided, single submitter. Criteria: Invitae Variant Classification Sherloc (09022015). Collection method: clinical testing. Allele origin: germline. Not counted in ClinVar's aggregate classification.

CeGaT Center for Human Genetics Tuebingen
Classification: Likely benign. Last evaluated: 2025-12-01. Review status: criteria provided, single submitter. Criteria: CeGaT Center For Human Genetics Tuebingen Variant Classification Criteria Version 2. Collection method: clinical testing. Allele origin: germline. Affected: yes. Observed: 2 variant alleles. Not counted in ClinVar's aggregate classification.
Comment: BRCA2: BP4, BP7

Sema4
Classification: Likely benign for Hereditary cancer-predisposing syndrome. Last evaluated: 2021-02-13. Review status: criteria provided, single submitter. Criteria: Sema4 Curation Guidelines. Collection method: curation. Allele origin: germline. Not counted in ClinVar's aggregate classification.

Quest Diagnostics Nichols Institute San Juan Capistrano
Classification: Likely benign. Last evaluated: 2019-11-20. Review status: criteria provided, single submitter. Criteria: Quest Diagnostics criteria. Collection method: clinical testing. Allele origin: unknown. Not counted in ClinVar's aggregate classification.

Women's Health and Genetics/Laboratory Corporation of America, LabCorp
Classification: Likely benign. Last evaluated: 2018-06-11. Review status: criteria provided, single submitter. Criteria: LabCorp Variant Classification Summary - May 2015. Collection method: clinical testing. Allele origin: germline. Not counted in ClinVar's aggregate classification.
Comment: Variant summary: BRCA2 c.9949C>T results in a synonymous change. 5/5 computational tools predict no significant impact on normal splicing. However, these predictions have yet to be confirmed by functional studies. The variant allele was found at a frequency of 1.8e-05 in 276918 control chromosomes (gnomAD). The available data on variant occurrences in the general population are insufficient to allow any conclusion about variant significance. To our knowledge, no occurrence of c.9949C>T in individuals affected with Hereditary Breast and Ovarian Cancer and no experimental evidence demonstrating its impact on protein function have been reported. Co-occurrences with other likely pathogenic/pathogenic variants have been reported in our internal database (BRCA2 c.9924C>G (p.Tyr3308X), PALB2 c.801_802dupTA (p.Lys268fsX12)), providing supporting evidence for a benign role. Four ClinVar submissions from clinical diagnostic laboratories (evaluation after 2014) cite the variant as likely benign/benign. Based on the evidence outlined above, the variant was classified as likely benign.

Baylor Genetics
Classification: Benign for Familial cancer of breast. Last evaluated: 2017-02-23. Review status: criteria provided, single submitter. Criteria: ACMG Guidelines, 2015. Collection method: clinical testing. Allele origin: germline. Inheritance: Autosomal dominant inheritance. Affected: no. Not counted in ClinVar's aggregate classification.

Color Diagnostics, LLC DBA Color Health
Classification: Likely benign for Hereditary cancer-predisposing syndrome. Last evaluated: 2016-01-06. Review status: criteria provided, single submitter. Criteria: ACMG Guidelines, 2015. Collection method: clinical testing. Allele origin: germline. Not counted in ClinVar's aggregate classification.

GeneDx
Classification: Benign. Last evaluated: 2015-03-03. Review status: criteria provided, single submitter. Criteria: GeneDx Variant Classification Process June 2021. Collection method: clinical testing. Allele origin: germline. Affected: yes. Not counted in ClinVar's aggregate classification.

Ambry Genetics
Classification: Likely benign for Hereditary cancer-predisposing syndrome. Last evaluated: 2014-09-11. Review status: criteria provided, single submitter. Criteria: Ambry Variant Classification Scheme 2023. Collection method: clinical testing. Allele origin: germline. Not counted in ClinVar's aggregate classification.

Breakthrough Genomics
Classification: Likely benign. Review status: criteria provided, single submitter. Criteria: ACMG Guidelines, 2015. Collection method: not provided. Allele origin: germline. Inheritance: Autosomal recessive inheritance. Affected: yes. Not counted in ClinVar's aggregate classification.

Department of Pathology and Laboratory Medicine, Sinai Health System
Classification: Likely benign for Malignant tumor of breast. Review status: no assertion criteria provided. Collection method: clinical testing. Allele origin: unknown. Affected: yes. Study: The Canadian Open Genetics Repository (COGR). Not counted in ClinVar's aggregate classification.
Comment: The BRCA2 p.Leu3317Leu variant does not alter an amino acid residue and is located outside of the splicing consensus sequence. None of the computational prediction software (SpliceSiteFinder, MaxEntScan, NNSPLICE, GeneSplicer, HumanSpliceFinder) predict a greater than 10% difference in splicing; however, this information is not predictive enough to rule out pathogenicity. It has not been previously reported in the literature or mutation datrabases. It is not listed in dbSNP, 1000 Genomes, or EVS databases, and so the frequency of this variant in the general population is not known. In summary, the clinical significance of this variant cannot be determined with certainty at this time, although we would lean towards a more benign role for this variant. This variant is classified as Predicted Benign.

NM_000059.4(BRCA2):c.9949C>T (p.Leu3317=)

Gene: BRCA2 (BRCA2 DNA repair associated; plus strand). Cytogenetic location: 13q13.1.
Variant type: single nucleotide variant.
Coding change: c.9949C>T on transcript NM_000059.4 (MANE Select); coding-DNA position 9949, C replaced by T.
Protein change: p.Leu3317=; no amino-acid change (leucine 3317 retained).
Molecular consequence: synonymous variant.
Genome position (GRCh38, 1-based): chr13:32,398,462, C>T. VCF-style: chr13-32398462-C-T. GRCh37 (hg19) VCF-style: chr13-32972599-C-T.
Identifiers: ClinVar variation 184620 (VCV000184620.34), dbSNP rs777488349, ClinGen allele CA026344.